The following is an entry in ClinVar:

ClinVar aggregate classification (germline): Uncertain significance (1 of 4 stars; one submission).

gnomAD v4.1: 13 of 1,610,784 alleles (0.00081%); highest among the groups gnomAD compares: Non-Finnish European, 0.0011%; no homozygotes.

Submission:

Labcorp Genetics (formerly Invitae), Labcorp
Classification: Uncertain significance. Last evaluated: 2025-10-06. Review status: criteria provided, single submitter. Criteria: Invitae Variant Classification Sherloc (09022015). Collection method: clinical testing. Allele origin: germline.
Comment: This sequence change replaces glutamine, which is neutral and polar, with arginine, which is basic and polar, at codon 468 of the IL12RB2 protein (p.Gln468Arg). This variant is present in population databases (rs373632786, gnomAD 0.005%). This variant has not been reported in the literature in individuals affected with IL12RB2-related conditions. An algorithm developed to predict the effect of missense changes on protein structure and function outputs the following: PolyPhen-2: "Benign". The arginine amino acid residue is found in multiple mammalian species, which suggests that this missense change does not adversely affect protein function. In summary, the available evidence is currently insufficient to determine the role of this variant in disease. Therefore, it has been classified as a Variant of Uncertain Significance.

NM_001374259.2(IL12RB2):c.1403A>G (p.Gln468Arg)

Gene: IL12RB2 (interleukin 12 receptor subunit beta 2; plus strand). Cytogenetic location: 1p31.3.
Variant type: single nucleotide variant.
Coding change: c.1403A>G on transcript NM_001374259.2 (MANE Select); coding-DNA position 1403, A replaced by G.
Protein change: p.Gln468Arg; replaces glutamine 468 with arginine.
Molecular consequence: missense variant. On other transcripts: non-coding transcript variant (2).
Genome position (GRCh38, 1-based): chr1:67,367,969, A>G. VCF-style: chr1-67367969-A-G. GRCh37 (hg19) VCF-style: chr1-67833652-A-G.
Other names: c.1403A>G, p.Gln468Arg (NM_001258214.1, NM_001258215.1, NM_001258216.1 and 2 more transcripts); short protein forms Q468R.
Identifiers: ClinVar variation 4777642 (VCV004777642.1).